The following is an entry in ClinVar:

NM_017617.5(NOTCH1):c.4214C>T (p.Pro1405Leu)

Gene: NOTCH1 (notch receptor 1; minus strand). Cytogenetic location: 9q34.3.
Variant type: single nucleotide variant.
Coding change: c.4214C>T on transcript NM_017617.5 (MANE Select); coding-DNA position 4214, C replaced by T.
Protein change: p.Pro1405Leu; replaces proline 1405 with leucine.
Molecular consequence: missense variant.
Genome position (GRCh38, 1-based): chr9:136,505,682, G>A on the plus strand (C>T on the coding strand, the complement: NOTCH1 is on the minus strand). VCF-style: chr9-136505682-G-A. GRCh37 (hg19) VCF-style: chr9-139400134-G-A.
Other names: short protein forms P1405L.
Identifiers: ClinVar variation 2196900 (VCV002196900.4), dbSNP rs2133340337, ClinGen allele CA375649026.

ClinVar aggregate classification (germline): Uncertain significance (1 of 4 stars; one submission).

Conditions:
Adams-Oliver syndrome 5 (AOS5). Identifiers: Orphanet 974, MedGen C4014970, MONDO:0014459, OMIM 616028.

Allele frequency attached by ClinVar (database versions not stated): gnomAD exomes below 0.00001.
gnomAD v4.1: 2 of 1,610,340 alleles (0.00012%); highest among the groups gnomAD compares: Non-Finnish European, 0.00017%; no homozygotes.

Submission:

Labcorp Genetics (formerly Invitae), Labcorp
Classification: Uncertain significance for Adams-Oliver syndrome 5. Last evaluated: 2022-11-01. Review status: criteria provided, single submitter. Criteria: Invitae Variant Classification Sherloc (09022015). Collection method: clinical testing. Allele origin: germline.
Comment: In summary, the available evidence is currently insufficient to determine the role of this variant in disease. Therefore, it has been classified as a Variant of Uncertain Significance. Advanced modeling of protein sequence and biophysical properties (such as structural, functional, and spatial information, amino acid conservation, physicochemical variation, residue mobility, and thermodynamic stability) performed at Invitae indicates that this missense variant is not expected to disrupt NOTCH1 protein function. This variant has not been reported in the literature in individuals affected with NOTCH1-related conditions. This variant is not present in population databases (gnomAD no frequency). This sequence change replaces proline, which is neutral and non-polar, with leucine, which is neutral and non-polar, at codon 1405 of the NOTCH1 protein (p.Pro1405Leu).